The following is an entry in ClinVar:

ClinVar aggregate classification (germline): Likely benign. Review status: criteria provided, single submitter (1 of 4 stars). 2 submissions from 2 submitters: Likely benign (1). 1 of the submissions does not count toward it. Last evaluated 2024-02-10.

Conditions:
PCNT-related disorder. Also called: PCNT-related condition.

Allele frequency attached by ClinVar (database versions not stated): ExAC 0.00001; gnomAD 0.00001; gnomAD exomes 0.00001; TOPMed 0.00002; 1000 Genomes Project 30x 0.00016; 1000 Genomes Project 0.00020.
gnomAD v4.1: 19 of 1,614,162 alleles (0.0012%); highest among the groups gnomAD compares: Middle Eastern, 0.016%; no homozygotes.

Submissions (2):

Labcorp Genetics (formerly Invitae), Labcorp
Classification: Likely benign. Last evaluated: 2024-02-10. Review status: criteria provided, single submitter. Criteria: Invitae Variant Classification Sherloc (09022015). Collection method: clinical testing. Allele origin: germline.

PreventionGenetics, part of Exact Sciences
Classification: Likely benign for PCNT-related condition. Last evaluated: 2023-03-21. Review status: no assertion criteria provided. Collection method: clinical testing. Allele origin: germline. Not counted in ClinVar's aggregate classification.
Comment: This variant is classified as likely benign based on ACMG/AMP sequence variant interpretation guidelines (Richards et al. 2015 PMID: 25741868, with internal and published modifications).

NM_006031.6(PCNT):c.6198C>T (p.Leu2066=)

Gene: PCNT (pericentrin; plus strand). Cytogenetic location: 21q22.3.
Variant type: single nucleotide variant.
Coding change: c.6198C>T on transcript NM_006031.6 (MANE Select); coding-DNA position 6198, C replaced by T.
Protein change: p.Leu2066=; no amino-acid change (leucine 2066 retained).
Molecular consequence: synonymous variant.
Genome position (GRCh38, 1-based): chr21:46,416,116, C>T. VCF-style: chr21-46416116-C-T. GRCh37 (hg19) VCF-style: chr21-47836030-C-T.
Other names: c.5844C>T, p.Leu1948= (NM_001315529.2); c.6198C>T (NM_006031.5).
Identifiers: ClinVar variation 2699124 (VCV002699124.4), dbSNP rs188751650, ClinGen allele CA10080281.